The following is an entry in ClinVar:

NM_002972.4(SBF1):c.1652G>A (p.Arg551Gln)

Gene: SBF1 (SET binding factor 1; minus strand). Cytogenetic location: 22q13.33.
Variant type: single nucleotide variant.
Coding change: c.1652G>A on transcript NM_002972.4 (MANE Select); coding-DNA position 1652, G replaced by A.
Protein change: p.Arg551Gln; replaces arginine 551 with glutamine.
Molecular consequence: missense variant.
Genome position (GRCh38, 1-based): chr22:50,464,426, C>T on the plus strand (G>A on the coding strand, the complement: SBF1 is on the minus strand). VCF-style: chr22-50464426-C-T. GRCh37 (hg19) VCF-style: chr22-50902855-C-T.
Other names: p.Arg551Gln; c.1655G>A, p.Arg552Gln (NM_001365819.1); c.1652G>A (NM_002972.3); short protein forms R552Q, R551Q.
Identifiers: ClinVar variation 1488140 (VCV001488140.4), dbSNP rs780343478, ClinGen allele CA10317568.

ClinVar aggregate classification (germline): Uncertain significance. Review status: criteria provided, multiple submitters, no conflicts (2 of 4 stars). 2 submissions from 2 submitters: Uncertain significance (2). Last evaluated 2022-02-10.

Allele frequency attached by ClinVar (database versions not stated): ExAC 0.00001; gnomAD exomes 0.00002 and 0.00005; TOPMed 0.00004; gnomAD 0.00006.
gnomAD v4.1: 78 of 1,613,658 alleles (0.0048%); highest among the groups gnomAD compares: Non-Finnish European, 0.0064%; no homozygotes.

Submissions (2):

Mayo Clinic Laboratories, Mayo Clinic
Classification: Uncertain significance. Last evaluated: 2022-02-10. Review status: criteria provided, single submitter. Criteria: ACMG Guidelines, 2015. Collection method: clinical testing. Allele origin: germline. Observed: 1 variant allele.
Comment: BP4, PM2

Labcorp Genetics (formerly Invitae), Labcorp
Classification: Uncertain significance. Last evaluated: 2021-08-31. Review status: criteria provided, single submitter. Criteria: Invitae Variant Classification Sherloc (09022015). Collection method: clinical testing. Allele origin: germline.
Comment: This sequence change replaces arginine with glutamine at codon 551 of the SBF1 protein (p.Arg551Gln). The arginine residue is moderately conserved and there is a small physicochemical difference between arginine and glutamine. This variant is present in population databases (rs780343478, ExAC 0.009%). This variant has not been reported in the literature in individuals affected with SBF1-related conditions. Algorithms developed to predict the effect of missense changes on protein structure and function are either unavailable or do not agree on the potential impact of this missense change (SIFT: "Tolerated"; PolyPhen-2: "Possibly Damaging"; Align-GVGD: "Class C0"). In summary, the available evidence is currently insufficient to determine the role of this variant in disease. Therefore, it has been classified as a Variant of Uncertain Significance.